The following is an entry in ClinVar:

ClinVar aggregate classification (germline): Uncertain significance. Review status: criteria provided, multiple submitters, no conflicts (2 of 4 stars). 2 submissions from 2 submitters: Uncertain significance (2). Last evaluated 2023-11-28.

Conditions:
Inborn genetic diseases. Identifiers: MedGen C0950123, MeSH D030342.
Congenital sideroblastic anemia-B-cell immunodeficiency-periodic fever-developmental delay syndrome. Also called: Sideroblastic anemia with B-cell immunodeficiency, periodic fevers, and developmental delay. Identifiers: Orphanet 369861, MedGen C4015172, MONDO:0014487, OMIM 616084.

Allele frequency attached by ClinVar (database versions not stated): gnomAD exomes 0.00002; TOPMed below 0.00001; ExAC 0.00001; gnomAD 0.00002.
gnomAD v4.1: 9 of 1,582,472 alleles (0.00057%); highest among the groups gnomAD compares: East Asian, 0.02%; no homozygotes.

Submissions (2):

Ambry Genetics
Classification: Uncertain significance for Inborn genetic diseases. Last evaluated: 2023-11-28. Review status: criteria provided, single submitter. Criteria: Ambry Variant Classification Scheme 2023. Collection method: clinical testing. Allele origin: germline.

Labcorp Genetics (formerly Invitae), Labcorp
Classification: Uncertain significance for Congenital sideroblastic anemia-B-cell immunodeficiency-periodic fever-developmental delay syndrome. Last evaluated: 2022-09-19. Review status: criteria provided, single submitter. Criteria: Invitae Variant Classification Sherloc (09022015). Collection method: clinical testing. Allele origin: germline.
Comment: In summary, the available evidence is currently insufficient to determine the role of this variant in disease. Therefore, it has been classified as a Variant of Uncertain Significance. Advanced modeling of protein sequence and biophysical properties (such as structural, functional, and spatial information, amino acid conservation, physicochemical variation, residue mobility, and thermodynamic stability) has been performed at Invitae for this missense variant, however the output from this modeling did not meet the statistical confidence thresholds required to predict the impact of this variant on TRNT1 protein function. ClinVar contains an entry for this variant (Variation ID: 1517405). This variant has not been reported in the literature in individuals affected with TRNT1-related conditions. This variant is present in population databases (rs774353592, gnomAD 0.04%). This sequence change replaces phenylalanine, which is neutral and non-polar, with leucine, which is neutral and non-polar, at codon 183 of the TRNT1 protein (p.Phe183Leu).

NM_182916.3(TRNT1):c.549T>G (p.Phe183Leu)

Gene: TRNT1 (tRNA nucleotidyl transferase 1; plus strand). Cytogenetic location: 3p26.2.
Variant type: single nucleotide variant.
Coding change: c.549T>G on transcript NM_182916.3 (MANE Select); coding-DNA position 549, T replaced by G.
Protein change: p.Phe183Leu; replaces phenylalanine 183 with leucine.
Molecular consequence: missense variant. On other transcripts: non-coding transcript variant (8).
Genome position (GRCh38, 1-based): chr3:3,144,651, T>G. VCF-style: chr3-3144651-T-G. GRCh37 (hg19) VCF-style: chr3-3186335-T-G.
Other names: c.549T>G (NM_182916.2); c.549T>G, p.Phe183Leu (NM_001302946.2, NM_001367321.1, NM_001367322.1 and 1 more transcripts); short protein forms F183L.
Identifiers: ClinVar variation 1517405 (VCV001517405.9), dbSNP rs774353592, ClinGen allele CA2228711.